The following is an entry in ClinVar:

ClinVar aggregate classification (germline): Uncertain significance (1 of 4 stars; one submission).

Conditions:
Glycogen storage disease, type II (IOPD). Also called: Glucosidase acid-1,4-alpha deficiency; Pompe Disease; GLYCOGENOSIS, GENERALIZED, CARDIAC FORM; GSD II; POMPE DISEASE, INFANTILE-ONSET; GLYCOGEN STORAGE DISEASE II, INFANTILE-ONSET. Identifiers: Orphanet 365, MedGen C0017921, MONDO:0009290, OMIM 232300.

Allele frequency attached by ClinVar (database versions not stated): gnomAD exomes below 0.00001.
gnomAD v4.1: 5 of 1,612,928 alleles (0.00031%); highest among the groups gnomAD compares: South Asian, 0.0022%; no homozygotes.

Submission:

Labcorp Genetics (formerly Invitae), Labcorp
Classification: Uncertain significance for Glycogen storage disease, type II. Last evaluated: 2022-02-01. Review status: criteria provided, single submitter. Criteria: Invitae Variant Classification Sherloc (09022015). Collection method: clinical testing. Allele origin: germline.
Comment: This sequence change replaces glutamic acid, which is acidic and polar, with lysine, which is basic and polar, at codon 139 of the GAA protein (p.Glu139Lys). This variant is not present in population databases (gnomAD no frequency). This variant has not been reported in the literature in individuals affected with GAA-related conditions. Advanced modeling of protein sequence and biophysical properties (such as structural, functional, and spatial information, amino acid conservation, physicochemical variation, residue mobility, and thermodynamic stability) performed at Invitae indicates that this missense variant is not expected to disrupt GAA protein function. In summary, the available evidence is currently insufficient to determine the role of this variant in disease. Therefore, it has been classified as a Variant of Uncertain Significance.

NM_000152.5(GAA):c.415G>A (p.Glu139Lys)

Gene: GAA (alpha glucosidase; plus strand). Cytogenetic location: 17q25.3.
Variant type: single nucleotide variant.
Coding change: c.415G>A on transcript NM_000152.5 (MANE Select); coding-DNA position 415, G replaced by A.
Protein change: p.Glu139Lys; replaces glutamic acid 139 with lysine.
Molecular consequence: missense variant.
Genome position (GRCh38, 1-based): chr17:80,105,001, G>A. VCF-style: chr17-80105001-G-A. GRCh37 (hg19) VCF-style: chr17-78078800-G-A.
Other names: c.415G>A, p.Glu139Lys (NM_001079803.3, NM_001079804.3, NM_001406741.1 and 1 more transcripts); short protein forms E139K.
Identifiers: ClinVar variation 1922071 (VCV001922071.2), dbSNP rs552901793, ClinGen allele CA294887228.